The following is an entry in ClinVar:

NM_001220.5(CAMK2B):c.1768+17G>A

Gene: CAMK2B (calcium/calmodulin dependent protein kinase II beta; minus strand). Cytogenetic location: 7p13.
Variant type: single nucleotide variant.
Coding change: c.1768+17G>A on transcript NM_001220.5 (MANE Select); 17 bases into the intron after coding-DNA position 1768, G replaced by A.
Molecular consequence: intron variant.
Genome position (GRCh38, 1-based): chr7:44,220,599, C>T on the plus strand (G>A on the coding strand, the complement: CAMK2B is on the minus strand). VCF-style: chr7-44220599-C-T. GRCh37 (hg19) VCF-style: chr7-44260198-C-T.
Other names: c.1117+17G>A (NM_172084.3); c.1321+17G>A (NM_172080.3); c.1207+17G>A (NM_172083.3); c.1279+17G>A (NM_172081.3); c.1324+17G>A (NM_172079.3); c.1246+17G>A (NM_172082.3); c.1396+17G>A (NM_001293170.2, NM_172078.3).
Identifiers: ClinVar variation 3617463 (VCV003617463.1).
Genomic context (GRCh38, chr7:44,220,599, plus strand): 5'-ATGCTGTCCCTGGGAGGGGCCGAGAGGCTCTCCTGGGGGCACCGCCCCCTCATGCCCACC[C>T]GGGCTTCCTCACTCACGGTTCTCGAAGTAGAATCTGTGGAAGTCCATCCCTTCAACCAGG-3'

ClinVar aggregate classification (germline): Uncertain significance (1 of 4 stars; one submission).

gnomAD v4.1: 36 of 1,606,160 alleles (0.0022%); highest among the groups gnomAD compares: East Asian, 0.0089%; no homozygotes.

Submission:

Labcorp Genetics (formerly Invitae), Labcorp
Classification: Uncertain significance. Last evaluated: 2025-01-11. Review status: criteria provided, single submitter. Criteria: Invitae Variant Classification Sherloc (09022015). Collection method: clinical testing. Allele origin: germline.
Comment: This sequence change falls in intron 22 of the CAMK2B gene. It does not directly change the encoded amino acid sequence of the CAMK2B protein. The frequency data for this variant in the population databases is considered unreliable, as metrics indicate poor data quality at this position in the gnomAD database. This variant has not been reported in the literature in individuals affected with CAMK2B-related conditions. Algorithms developed to predict the effect of sequence changes on RNA splicing suggest that this variant may create or strengthen a splice site. In summary, the available evidence is currently insufficient to determine the role of this variant in disease. Therefore, it has been classified as a Variant of Uncertain Significance.